The following is an entry in ClinVar:

NM_001377.3(DYNC2H1):c.7243_7244insTT (p.His2415fs)

Gene: DYNC2H1 (dynein cytoplasmic 2 heavy chain 1; plus strand). Cytogenetic location: 11q22.3.
Variant type: Insertion.
Coding change: c.7243_7244insTT on transcript NM_001377.3 (MANE Select); coding-DNA positions 7243 to 7244, TT inserted.
Protein change: p.His2415fs; shifts the reading frame from histidine 2415.
Molecular consequence: frameshift variant.
Genome position: GRCh38 VCF-style: chr11-103188599-C-CTT. GRCh37 (hg19) VCF-style: chr11-103059328-C-CTT.
Other names: c.7243_7244insTT, p.His2415fs (NM_001080463.2); short protein forms H2415fs.
Identifiers: ClinVar variation 2710753 (VCV002710753.3), dbSNP rs2496295808, ClinGen allele CA2697548935.

ClinVar aggregate classification (germline): Pathogenic (1 of 4 stars; one submission).

Conditions:
Jeune thoracic dystrophy. Also called: Jeune syndrome; Infantile thoracic dystrophy; Thoracic pelvic phalangeal dystrophy; Jeune's syndrome; Chondroectodermal dysplasia-like syndrome; Short-rib thoracic dysplasia. Identifiers: Orphanet 474, MedGen C0265275, MONDO:0018770.

Submission:

Labcorp Genetics (formerly Invitae), Labcorp
Classification: Pathogenic for Jeune thoracic dystrophy. Last evaluated: 2024-01-22. Review status: criteria provided, single submitter. Criteria: Invitae Variant Classification Sherloc (09022015). Collection method: clinical testing. Allele origin: germline.
Comment: This sequence change creates a premature translational stop signal (p.His2415Leufs*17) in the DYNC2H1 gene. It is expected to result in an absent or disrupted protein product. Loss-of-function variants in DYNC2H1 are known to be pathogenic (PMID: 23339108, 32753734, 33755199). This variant is not present in population databases (gnomAD no frequency). This variant has not been reported in the literature in individuals affected with DYNC2H1-related conditions. For these reasons, this variant has been classified as Pathogenic.

Literature cited by the submitters: PubMed 23339108; PubMed 32753734; PubMed 33755199.